The following is an entry in ClinVar:

ClinVar aggregate classification (germline): Uncertain significance (1 of 4 stars; one submission).

Conditions:
BBS2-related disorder. Also called: BBS2-related disorders; BBS2-related condition. Identifiers: MedGen CN239228.

gnomAD v4.1: 14 of 1,614,170 alleles (0.00087%); highest among the groups gnomAD compares: South Asian, 0.0011%; no homozygotes.

Submission:

PreventionGenetics, part of Exact Sciences
Classification: Uncertain significance for BBS2-related condition. Last evaluated: 2025-09-29. Review status: criteria provided, single submitter. Criteria: ACMG Guidelines, 2015. Collection method: clinical testing. Allele origin: germline.
Comment: The BBS2 c.1231A>G variant is predicted to result in the amino acid substitution p.Ile411Val. This variant is reported in 0.0065% of alleles in individuals of European (Non-Finnish) descent in gnomAD. At this time, the clinical significance of this variant is uncertain due to the absence of conclusive functional and genetic evidence.

NM_031885.5(BBS2):c.1231A>G (p.Ile411Val)

Gene: BBS2 (Bardet-Biedl syndrome 2; minus strand). Cytogenetic location: 16q13.
Variant type: single nucleotide variant.
Coding change: c.1231A>G on transcript NM_031885.5 (MANE Select); coding-DNA position 1231, A replaced by G.
Protein change: p.Ile411Val; replaces isoleucine 411 with valine.
Molecular consequence: missense variant. On other transcripts: non-coding transcript variant (2).
Genome position (GRCh38, 1-based): chr16:56,501,020, T>C on the plus strand (A>G on the coding strand, the complement: BBS2 is on the minus strand). VCF-style: chr16-56501020-T-C. GRCh37 (hg19) VCF-style: chr16-56534932-T-C.
Other names: c.1231A>G, p.Ile411Val (NM_001377456.1); short protein forms I411V.
Identifiers: ClinVar variation 4988680 (VCV004988680.1).